The following is an entry in ClinVar:

ClinVar aggregate classification (germline): Uncertain significance. Review status: criteria provided, multiple submitters, no conflicts (2 of 4 stars). 3 submissions from 3 submitters: Uncertain significance (3). Last evaluated 2026-05-26.

Conditions:
KCNJ1-related disorder. Also called: KCNJ1-related condition.

Submissions (3):

PreventionGenetics, part of Exact Sciences
Classification: Uncertain significance for KCNJ1-related condition. Last evaluated: 2026-05-26. Review status: criteria provided, single submitter. Criteria: ACMG Guidelines, 2015. Collection method: clinical testing. Allele origin: germline.
Comment: The KCNJ1 c.522G>T variant is predicted to result in the amino acid substitution p.Met174Ile. To our knowledge, this variant has not been reported in the literature. This variant is reported in 0.0018% of alleles in individuals of European (Non-Finnish) descent in gnomAD. At this time, the clinical significance of this variant is uncertain due to the absence of conclusive functional and genetic evidence.

Labcorp Genetics (formerly Invitae), Labcorp
Classification: Uncertain significance. Last evaluated: 2024-09-03. Review status: criteria provided, single submitter. Criteria: Invitae Variant Classification Sherloc (09022015). Collection method: clinical testing. Allele origin: germline.
Comment: This sequence change replaces methionine, which is neutral and non-polar, with isoleucine, which is neutral and non-polar, at codon 174 of the KCNJ1 protein (p.Met174Ile). This variant is present in population databases (rs145758549, gnomAD 0.0009%). This variant has not been reported in the literature in individuals affected with KCNJ1-related conditions. An algorithm developed to predict the effect of missense changes on protein structure and function (PolyPhen-2) suggests that this variant is likely to be tolerated. In summary, the available evidence is currently insufficient to determine the role of this variant in disease. Therefore, it has been classified as a Variant of Uncertain Significance.

Blueprint Genetics
Classification: Uncertain significance. Last evaluated: 2024-06-05. Review status: criteria provided, single submitter. Criteria: ACMG Guidelines, 2015. Collection method: clinical testing. Allele origin: germline.

NM_153766.3(KCNJ1):c.465G>T (p.Met155Ile)

Gene: KCNJ1 (potassium inwardly rectifying channel subfamily J member 1; minus strand). Cytogenetic location: 11q24.3.
Variant type: single nucleotide variant.
Coding change: c.465G>T on transcript NM_153766.3 (MANE Select); coding-DNA position 465, G replaced by T.
Protein change: p.Met155Ile; replaces methionine 155 with isoleucine.
Molecular consequence: missense variant.
Genome position (GRCh38, 1-based): chr11:128,839,779, C>A on the plus strand (G>T on the coding strand, the complement: KCNJ1 is on the minus strand). VCF-style: chr11-128839779-C-A. GRCh37 (hg19) VCF-style: chr11-128709674-C-A.
Other names: c.522G>T, p.Met174Ile (NM_000220.6); c.465G>T, p.Met155Ile (NM_153764.3, NM_153767.4); c.516G>T, p.Met172Ile (NM_153765.3); c.522G>T (NM_000220.4); short protein forms M174I, M155I, M172I.
Identifiers: ClinVar variation 3665300 (VCV003665300.4).